The following is an entry in ClinVar:

NM_000110.4(DPYD):c.1109_1110del (p.Ile370fs)

Gene: DPYD (dihydropyrimidine dehydrogenase; minus strand). Cytogenetic location: 1p21.3.
Variant type: Microsatellite.
Coding change: c.1109_1110del on transcript NM_000110.4 (MANE Select); coding-DNA positions 1109 to 1110, 2 bases deleted (TA; older notation c.1109_1110delTA).
Protein change: p.Ile370fs; shifts the reading frame from isoleucine 370.
Molecular consequence: frameshift variant.
Genome position (GRCh38, 1-based): chr1:97,593,236-97,593,237, TA deleted on the plus strand (TA on the coding strand, the reverse complement: DPYD is on the minus strand); deleting any 2 consecutive bases within chr1:97,593,236-97,593,240 gives the same sequence; the c. name uses the placement nearest the transcript's 3' end. VCF-style (leftmost placement, unchanged base first): chr1-97593235-TTA-T. GRCh37 (hg19) VCF-style: chr1-98058791-TTA-T.
Other names: c.1109_1110delTA (NM_000110.3); short protein forms I370fs.
Identifiers: ClinVar variation 370309 (VCV000370309.6), dbSNP rs749571474, ClinGen allele CA963437.

ClinVar aggregate classification (germline): Pathogenic/Likely pathogenic. Review status: criteria provided, multiple submitters, no conflicts (2 of 4 stars). 4 submissions from 4 submitters: Pathogenic (1); Likely pathogenic (2). 1 of the submissions does not count toward it. Last evaluated 2023-04-11.

Conditions:
Dihydropyrimidine dehydrogenase deficiency (DPYDD). Also called: DPD DEFICIENCY; DPYD DEFICIENCY; Hereditary Thymine-Uraciluria. Identifiers: Orphanet 1675, MedGen C1959620, MONDO:0010130, OMIM 274270.

Submissions (4):

Genome-Nilou Lab
Classification: Likely pathogenic for Dihydropyrimidine dehydrogenase deficiency. Last evaluated: 2023-04-11. Review status: criteria provided, single submitter. Criteria: ACMG Guidelines, 2015. Collection method: clinical testing. Allele origin: germline. Affected: no.

Women's Health and Genetics/Laboratory Corporation of America, LabCorp
Classification: Likely pathogenic for Dihydropyrimidine dehydrogenase deficiency. Last evaluated: 2022-10-18. Review status: criteria provided, single submitter. Criteria: LabCorp Variant Classification Summary - May 2015. Collection method: clinical testing. Allele origin: germline.
Comment: Variant summary: DPYD c.1109_1110delTA (p.Ile370LysfsX5) results in a premature termination codon, predicted to cause a truncation of the encoded protein or absence of the protein due to nonsense mediated decay, which are commonly known mechanisms for disease. Truncations downstream of this position have been classified as pathogenic by our laboratory. The variant allele was found at a frequency of 4e-06 in 251364 control chromosomes (gnomAD). c.1109_1110delTA has been reported in the literature in at least one individual affected with 5-fluorouracil toxicity (Gross_2008). These data do not allow any conclusion about variant significance. To our knowledge, no experimental evidence demonstrating an impact on protein function has been reported. One ClinVar submitter has assessed the variant since 2014: the variant was classified as likely pathogenic. Based on the evidence outlined above, the variant was classified as likely pathogenic.

Baylor Genetics
Classification: Pathogenic for Dihydropyrimidine dehydrogenase deficiency. Last evaluated: 2022-07-01. Review status: criteria provided, single submitter. Criteria: ACMG Guidelines, 2015. Collection method: clinical testing. Allele origin: unknown.

Counsyl
Classification: Likely pathogenic for Dihydropyrimidine dehydrogenase deficiency. Last evaluated: 2016-01-08. Review status: no assertion criteria provided. Collection method: clinical testing. Allele origin: unknown. Not counted in ClinVar's aggregate classification.

Literature cited by the submitters: PubMed 19104657 (cited by Women's Health and Genetics/Laboratory Corporation of America, LabCorp and Counsyl).